The following is an entry in ClinVar:

ClinVar aggregate classification (germline): Uncertain significance. Review status: criteria provided, multiple submitters, no conflicts (2 of 4 stars). 2 submissions from 2 submitters: Uncertain significance (2). Last evaluated 2024-04-04.

Conditions:
Growth delay due to insulin-like growth factor I resistance. Also called: Insulin-Like Growth Factor I Resistance; Somatomedin end-organ insensitivity to; Somatomedin-c resistance to; IGF-1 resistance; IGF-I RESISTANCE. Identifiers: Orphanet 73273, MedGen C1849157, MONDO:0010038, OMIM 270450.

Submissions (2):

Genomic Medicine Center of Excellence, King Faisal Specialist Hospital and Research Centre
Classification: Uncertain significance for Growth delay due to insulin-like growth factor I resistance. Last evaluated: 2024-04-04. Review status: criteria provided, single submitter. Criteria: ACMG Guidelines, 2015. Collection method: clinical testing. Allele origin: germline.

Labcorp Genetics (formerly Invitae), Labcorp
Classification: Uncertain significance. Last evaluated: 2018-01-18. Review status: criteria provided, single submitter. Criteria: Invitae Variant Classification Sherloc (09022015). Collection method: clinical testing. Allele origin: germline.
Comment: In summary, the available evidence is currently insufficient to determine the role of this variant in disease. Therefore, it has been classified as a Variant of Uncertain Significance. Algorithms developed to predict the effect of sequence changes on RNA splicing suggest that this variant may create or strengthen a splice site, but this prediction has not been confirmed by published transcriptional studies. Algorithms developed to predict the effect of missense changes on protein structure and function do not agree on the potential impact of this missense change (SIFT: "Deleterious"; PolyPhen-2: "Probably Damaging"; Align-GVGD: "Class C15"). This variant has not been reported in the literature in individuals with IGF1R-related disease. This variant is not present in population databases (ExAC no frequency). This sequence change replaces methionine with valine at codon 1255 of the IGF1R protein (p.Met1255Val). The methionine residue is highly conserved and there is a small physicochemical difference between methionine and valine.

NM_000875.5(IGF1R):c.3763A>G (p.Met1255Val)

Gene: IGF1R (insulin like growth factor 1 receptor; plus strand). Cytogenetic location: 15q26.3.
Variant type: single nucleotide variant.
Coding change: c.3763A>G on transcript NM_000875.5 (MANE Select); coding-DNA position 3763, A replaced by G.
Protein change: p.Met1255Val; replaces methionine 1255 with valine.
Molecular consequence: missense variant.
Genome position (GRCh38, 1-based): chr15:98,957,101, A>G. VCF-style: chr15-98957101-A-G. GRCh37 (hg19) VCF-style: chr15-99500330-A-G.
Other names: c.3760A>G, p.Met1254Val (NM_001291858.2); short protein forms M1254V, M1255V.
Identifiers: ClinVar variation 1056908 (VCV001056908.10), dbSNP rs149148921, ClinGen allele CA393667911.